The following is an entry in ClinVar:

NM_000069.3(CACNA1S):c.3011T>C (p.Met1004Thr)

Gene: CACNA1S (calcium voltage-gated channel subunit alpha1 S; minus strand). Cytogenetic location: 1q32.1.
Variant type: single nucleotide variant.
Coding change: c.3011T>C on transcript NM_000069.3 (MANE Select); coding-DNA position 3011, T replaced by C.
Protein change: p.Met1004Thr; replaces methionine 1004 with threonine.
Molecular consequence: missense variant.
Genome position (GRCh38, 1-based): chr1:201,061,986, A>G on the plus strand (T>C on the coding strand, the complement: CACNA1S is on the minus strand). VCF-style: chr1-201061986-A-G. GRCh37 (hg19) VCF-style: chr1-201031114-A-G.
Other names: c.3011T>C (NM_000069.2); short protein forms M1004T.
Identifiers: ClinVar variation 3577134 (VCV003577134.2).

ClinVar aggregate classification (germline): Uncertain significance. Review status: criteria provided, multiple submitters, no conflicts (2 of 4 stars). 2 submissions from 2 submitters: Uncertain significance (2). Last evaluated 2025-01-07.

Conditions:
Malignant hyperthermia, susceptibility to, 5 (MHS5). Also called: CACNA1S-Related Malignant Hyperthermia Susceptibility. Identifiers: Orphanet 423, MedGen C1866077, MONDO:0011163, OMIM 601887.
Hypokalemic periodic paralysis, type 1. Also called: Hypokalemic Periodic Paralysis Type 1 (AD); HypoPP. Identifiers: Orphanet 681, MedGen C3714580, MONDO:0042979, OMIM 170400.
Congenital myopathy 18. Also called: Myopathy, congenital, due to dihydropyridine receptor defect; DIHYDROPYRIDINE RECEPTOR CONGENITAL MYOPATHY; DHPR CONGENITAL MYOPATHY. Identifiers: MedGen C5830283, MONDO:0859514, OMIM 620246.
Thyrotoxic periodic paralysis, susceptibility to, 1 (TTPP1). Identifiers: Orphanet 79102, MedGen C2749982, MONDO:0008570, OMIM 188580.

Submissions (2):

GeneDx
Classification: Uncertain significance. Last evaluated: 2025-01-07. Review status: criteria provided, single submitter. Criteria: GeneDx Variant Classification Process June 2021. Collection method: clinical testing. Allele origin: germline. Affected: yes.
Comment: Not observed at significant frequency in large population cohorts (gnomAD); In silico analysis supports that this missense variant has a deleterious effect on protein structure/function; Has not been previously published as pathogenic or benign to our knowledge

Fulgent Genetics
Classification: Uncertain significance for Hypokalemic periodic paralysis, type 1; Thyrotoxic periodic paralysis, susceptibility to, 1; Malignant hyperthermia, susceptibility to, 5; Congenital myopathy 18. Last evaluated: 2024-04-17. Review status: criteria provided, single submitter. Criteria: ACMG Guidelines, 2015. Collection method: clinical testing. Allele origin: germline.